The following is an entry in ClinVar:

ClinVar aggregate classification (germline): Benign (1 of 4 stars; one submission).

Conditions:
Tumor predisposition syndrome 2 (TPDS2). Also called: MBD4-ASSOCIATED NEOPLASIA SYNDROME; MBD4-Related Tumor Predisposition Syndrome; MBD4-associated neoplasia syndrome (MANS). Identifiers: Orphanet 661526, MedGen C5774186, MONDO:0859267, OMIM 619975.

gnomAD v4.1: 31 of 1,610,170 alleles (0.0019%); highest among the groups gnomAD compares: Non-Finnish European, 0.0025%; no homozygotes.

Submission:

Myriad Genetics, Inc.
Classification: Benign for Tumor predisposition syndrome 2. Last evaluated: 2026-06-12. Review status: criteria provided, single submitter. Criteria: Myriad Autosomal Dominant, Autosomal Recessive and X-Linked Classification Criteria (2023). Collection method: clinical testing. Allele origin: unknown.
Comment: This variant is considered benign. This variant occurs in the non-coding 3' untranslated region of the gene, and is not expected to impact protein function.

NM_001276270.2(MBD4):c.*6G>A

Gene: MBD4 (methyl-CpG binding domain 4, DNA glycosylase; minus strand). Cytogenetic location: 3q21.3.
Variant type: single nucleotide variant.
Coding change: c.*6G>A on transcript NM_001276270.2 (MANE Select); 6 bases downstream of the stop codon, G replaced by A.
Molecular consequence: 3 prime UTR variant.
Genome position (GRCh38, 1-based): chr3:129,431,495, C>T on the plus strand (G>A on the coding strand, the complement: MBD4 is on the minus strand). VCF-style: chr3-129431495-C-T. GRCh37 (hg19) VCF-style: chr3-129150338-C-T.
Other names: c.*73G>A (NM_001276272.2); c.*6G>A (NM_001276273.2, NM_003925.3).
Identifiers: ClinVar variation 4875905 (VCV004875905.1).